The following is an entry in ClinVar:

ClinVar aggregate classification (germline): Conflicting classifications of pathogenicity. Review status: criteria provided, conflicting classifications (1 of 4 stars). 4 submissions from 4 submitters: Uncertain significance (1); Likely benign (3). Last evaluated 2025-07-14.

Conditions:
Hereditary cancer-predisposing syndrome. Also called: Neoplastic Syndromes, Hereditary; Hereditary neoplastic syndrome; Tumor predisposition; Hereditary Cancer Syndrome. Identifiers: Orphanet 140162, MedGen C0027672, MeSH D009386, MONDO:0015356.
Familial cancer of breast. Also called: hereditary breast carcinoma; Hereditary breast cancer; BREAST CANCER, FAMILIAL. Identifiers: Orphanet 227535, MedGen C0346153, MONDO:0016419, OMIM 114480. Disease mechanism: loss of function.

Allele frequency attached by ClinVar (database versions not stated): TOPMed below 0.00001.

Submissions (4):

Quest Diagnostics Nichols Institute San Juan Capistrano
Classification: Uncertain significance. Last evaluated: 2025-07-14. Review status: criteria provided, single submitter. Criteria: Quest Diagnostics criteria. Collection method: clinical testing. Allele origin: unknown.
Comment: The CHEK2 c.1462-5C>T variant has not been reported in individuals with CHEK2-related conditions in the published literature. It also has not been reported in large, multi-ethnic general populations (Genome Aggregation Database). Analysis of this variant using software algorithms for the prediction of the effect of nucleotide changes on splicing yielded predictions that this variant does not affect CHEK2 mRNA splicing. Based on the available information, we are unable to determine the clinical significance of this variant.

Myriad Genetics, Inc.
Classification: Likely benign for Familial cancer of breast. Last evaluated: 2024-10-08. Review status: criteria provided, single submitter. Criteria: Myriad Autosomal Dominant, Autosomal Recessive and X-Linked Classification Criteria (2023). Collection method: clinical testing. Allele origin: unknown.
Comment: This variant is considered likely benign. This variant is intronic and is not expected to impact mRNA splicing.

Ambry Genetics
Classification: Likely benign for Hereditary cancer-predisposing syndrome. Last evaluated: 2023-09-08. Review status: criteria provided, single submitter. Criteria: Ambry Variant Classification Scheme 2023. Collection method: clinical testing. Allele origin: germline.

Labcorp Genetics (formerly Invitae), Labcorp
Classification: Likely benign for Familial cancer of breast. Last evaluated: 2022-01-13. Review status: criteria provided, single submitter. Criteria: Invitae Variant Classification Sherloc (09022015). Collection method: clinical testing. Allele origin: germline.

NM_007194.4(CHEK2):c.1462-5C>T

Gene: CHEK2 (checkpoint kinase 2; minus strand). Cytogenetic location: 22q12.1.
Variant type: single nucleotide variant.
Coding change: c.1462-5C>T on transcript NM_007194.4 (MANE Select); 5 bases into the intron before coding-DNA position 1462, C replaced by T.
Molecular consequence: intron variant.
Genome position (GRCh38, 1-based): chr22:28,689,220, G>A on the plus strand (C>T on the coding strand, the complement: CHEK2 is on the minus strand). VCF-style: chr22-28689220-G-A. GRCh37 (hg19) VCF-style: chr22-29085208-G-A.
Other names: c.799-5C>T (NM_001437942.1, NM_001257387.3); c.1261-5C>T (NM_001349956.3); c.1375-5C>T (NM_145862.3); c.1468-5C>T (NM_001438295.1); c.1555-5C>T (NM_001438293.1); c.1504-5C>T (NM_001438294.1); c.1591-5C>T (NM_001005735.3).
Identifiers: ClinVar variation 796355 (VCV000796355.13), dbSNP rs1601702602, ClinGen allele CA915952835.
Genomic context (GRCh38, chr22:28,689,220, plus strand): 5'-GTGGATTCATTTTCCTCAGACAGAAGATCTTGAAACTTTCTCTTCATGTCTTCATCCTGT[G>A]AGGGAATTAAAAACATAAGTAGCTGTGTCTGAAGGATAATAAACTCCTAGAATGACAGGG-3'